The following is an entry in ClinVar:

NM_003126.4(SPTA1):c.7091T>C (p.Leu2364Pro)

Gene: SPTA1 (spectrin alpha, erythrocytic 1; minus strand). Cytogenetic location: 1q23.1.
Variant type: single nucleotide variant.
Coding change: c.7091T>C on transcript NM_003126.4 (MANE Select); coding-DNA position 7091, T replaced by C.
Protein change: p.Leu2364Pro; replaces leucine 2364 with proline.
Molecular consequence: missense variant.
Genome position (GRCh38, 1-based): chr1:158,612,860, A>G on the plus strand (T>C on the coding strand, the complement: SPTA1 is on the minus strand). VCF-style: chr1-158612860-A-G. GRCh37 (hg19) VCF-style: chr1-158582650-A-G.
Other names: short protein forms L2364P.
Identifiers: ClinVar variation 2690104 (VCV002690104.15), dbSNP rs2526165145, ClinGen allele CA343011215.

ClinVar aggregate classification (germline): Uncertain significance. Review status: criteria provided, multiple submitters, no conflicts (2 of 4 stars). 2 submissions from 2 submitters: Uncertain significance (2). Last evaluated 2025-02-01.

Allele frequency attached by ClinVar (database versions not stated): gnomAD exomes below 0.00001.

Submissions (2):

CeGaT Center for Human Genetics Tuebingen
Classification: Uncertain significance. Last evaluated: 2025-02-01. Review status: criteria provided, single submitter. Criteria: CeGaT Center For Human Genetics Tuebingen Variant Classification Criteria Version 2. Collection method: clinical testing. Allele origin: germline. Affected: yes. Observed: 1 variant allele.
Comment: SPTA1: PM2

Revvity Omics, Revvity
Classification: Uncertain significance. Last evaluated: 2023-02-27. Review status: criteria provided, single submitter. Criteria: ACMG Guidelines, 2015. Collection method: clinical testing. Allele origin: germline.